The following is an entry in ClinVar:

ClinVar aggregate classification (germline): Benign/Likely benign. Review status: criteria provided, multiple submitters, no conflicts (2 of 4 stars). 2 submissions from 2 submitters: Benign (1); Likely benign (1). Last evaluated 2026-06-01.

Allele frequency attached by ClinVar (database versions not stated): gnomAD 0.00004; gnomAD exomes 0.00007 and 0.00035; TOPMed 0.00015; ExAC 0.00034.
gnomAD v4.1: 108 of 1,614,054 alleles (0.0067%); highest among the groups gnomAD compares: Admixed American, 0.17%; 1 homozygote.

Submissions (2):

CeGaT Center for Human Genetics Tuebingen
Classification: Likely benign. Last evaluated: 2026-06-01. Review status: criteria provided, single submitter. Criteria: CeGaT Center For Human Genetics Tuebingen Variant Classification Criteria Version 2. Collection method: clinical testing. Allele origin: germline. Affected: yes. Observed: 2 variant alleles.
Comment: ADAMTSL4: BP4, BP7

Labcorp Genetics (formerly Invitae), Labcorp
Classification: Benign. Last evaluated: 2025-11-25. Review status: criteria provided, single submitter. Criteria: Invitae Variant Classification Sherloc (09022015). Collection method: clinical testing. Allele origin: germline.

NM_019032.6(ADAMTSL4):c.1308G>A (p.Lys436=)

Genes: ADAMTSL4 (ADAMTS like 4; plus strand), ADAMTSL4-AS2 (ADAMTSL4 antisense RNA 2; minus strand). Cytogenetic location: 1q21.2.
Variant type: single nucleotide variant.
Coding change: c.1308G>A on transcript NM_019032.6 (MANE Select); coding-DNA position 1308, G replaced by A.
Protein change: p.Lys436=; no amino-acid change (lysine 436 retained).
Molecular consequence: synonymous variant.
Genome position (GRCh38, 1-based): chr1:150,555,502, G>A. VCF-style: chr1-150555502-G-A. GRCh37 (hg19) VCF-style: chr1-150527978-G-A.
Other names: c.1377G>A, p.Lys459= (NM_001288607.2, NM_001288608.2); c.1308G>A, p.Lys436= (NM_001378596.1, NM_025008.5).
Identifiers: ClinVar variation 725797 (VCV000725797.13), dbSNP rs759357566, ClinGen allele CA1078221.